The following is an entry in ClinVar:

ClinVar aggregate classification (germline): Pathogenic/Likely pathogenic. Review status: criteria provided, multiple submitters, no conflicts (2 of 4 stars). 7 submissions from 7 submitters: Pathogenic (4); Likely pathogenic (3). Last evaluated 2026-04-16.

Conditions:
Charlevoix-Saguenay spastic ataxia (SACS). Also called: SPASTIC ATAXIA 6, AUTOSOMAL RECESSIVE; Spastic ataxia of Charlevoix-Saguenay; AUTOSOMAL RECESSIVE SPASTIC ATAXIA OF CHARLEVOIX-SAGUENAY. Identifiers: Orphanet 98, MedGen C1849140, MONDO:0010041, OMIM 270550.

Allele frequency attached by ClinVar (database versions not stated): TOPMed 0.00001; gnomAD exomes below 0.00001.

Submissions (7):

GeneDx
Classification: Likely pathogenic. Last evaluated: 2026-04-16. Review status: criteria provided, single submitter. Criteria: GeneDx Variant Classification Process June 2021. Collection method: clinical testing. Allele origin: germline.
Comment: Observed in a patient with hereditary spastic paraplegia; however, additional segregation and clinical information was not provided (PMID: 34983064); Frameshift variant predicted to result in protein truncation or nonsense mediated decay in a gene for which loss of function is a known mechanism of disease; Not observed at significant frequency in large population cohorts (gnomAD); This variant is associated with the following publications: (PMID: 34983064)

Natera, Inc.
Classification: Likely pathogenic for Charlevoix-Saguenay type spastic ataxia. Last evaluated: 2025-12-09. Review status: criteria provided, single submitter. Criteria: Natera Variant Classification Schema (03/2026). Collection method: clinical testing. Allele origin: germline.
Comment: The c.699delC variant in SACS is a frameshift variant predicted to shift the reading frame beginning at codon 235 and leads to a stop codon 28 codons downstream. This variant is expected to result in nonsense mediated decay, truncation, or a dysfunctional protein product. This variant is rare in the general population with a frequency below the threshold expected for the associated phenotype(s). Given the available evidence, this variant is classified as Likely Pathogenic.

Baylor Genetics
Classification: Likely pathogenic for Charlevoix-Saguenay spastic ataxia. Last evaluated: 2022-01-04. Review status: criteria provided, single submitter. Criteria: ACMG Guidelines, 2015. Collection method: clinical testing. Allele origin: unknown.

PROSPAX: an integrated multimodal progression  chart in spastic ataxias, Center for Neurology; Hertie-Institute for Clinical Brain Research
Classification: Pathogenic for Charlevoix-Saguenay spastic ataxia. Last evaluated: 2022-01-01. Review status: criteria provided, single submitter. Criteria: ACMG Guidelines, 2015. Collection method: research. Allele origin: germline. Affected: yes. Observed: 1 variant allele, 1 compound heterozygote.

Genome-Nilou Lab
Classification: Pathogenic for Charlevoix-Saguenay spastic ataxia. Last evaluated: 2021-09-05. Review status: criteria provided, single submitter. Criteria: ACMG Guidelines, 2015. Collection method: clinical testing. Allele origin: germline. Affected: no.

Athena Diagnostics
Classification: Pathogenic. Last evaluated: 2020-07-02. Review status: criteria provided, single submitter. Criteria: Athena Diagnostics Criteria. Collection method: clinical testing. Allele origin: unknown.
Comment: The variant results in a shift of the reading frame, and is therefore predicted to result in the loss of a functional protein. Found in at least one patient with expected phenotype for this gene, and found in general population data at a frequency that is consistent with pathogenicity.

Paris Brain Institute, Inserm - ICM
Classification: Pathogenic for Charlevoix-Saguenay spastic ataxia. Review status: criteria provided, single submitter. Criteria: ACMG Guidelines, 2015. Collection method: clinical testing. Allele origin: unknown. Affected: yes. Observed: 1 variant allele.

NM_014363.6(SACS):c.699del (p.Asp235fs)

Gene: SACS (sacsin molecular chaperone; minus strand). Cytogenetic location: 13q12.12.
Variant type: Deletion.
Coding change: c.699del on transcript NM_014363.6 (MANE Select); coding-DNA position 699, one base deleted (C; older notation c.699delC).
Protein change: p.Asp235fs; shifts the reading frame from aspartic acid 235.
Molecular consequence: frameshift variant.
Genome position (GRCh38, 1-based): chr13:23,355,913, G deleted on the plus strand (C on the coding strand, the reverse complement: SACS is on the minus strand). VCF-style (leftmost placement, unchanged base first): chr13-23355912-TG-T. GRCh37 (hg19) VCF-style: chr13-23930051-TG-T.
Other names: c.699delC (NM_014363.5); c.258del, p.Asp88fs (NM_001278055.2); short protein forms D235fs, D88fs.
Identifiers: ClinVar variation 989203 (VCV000989203.8), dbSNP rs1415870785, ClinGen allele CA608985289.